The following is an entry in ClinVar:

NM_006231.4(POLE):c.1574A>T (p.Asn525Ile)

Gene: POLE (DNA polymerase epsilon, catalytic subunit; minus strand). Cytogenetic location: 12q24.33.
Variant type: single nucleotide variant.
Coding change: c.1574A>T on transcript NM_006231.4 (MANE Select); coding-DNA position 1574, A replaced by T.
Protein change: p.Asn525Ile; replaces asparagine 525 with isoleucine.
Molecular consequence: missense variant.
Genome position (GRCh38, 1-based): chr12:132,672,739, T>A on the plus strand (A>T on the coding strand, the complement: POLE is on the minus strand). VCF-style: chr12-132672739-T-A. GRCh37 (hg19) VCF-style: chr12-133249325-T-A.
Other names: short protein forms N525I.
Identifiers: ClinVar variation 4672499 (VCV004672499.1).

ClinVar aggregate classification (germline): Uncertain significance (1 of 4 stars; one submission).

Conditions:
Hereditary cancer-predisposing syndrome. Also called: Neoplastic Syndromes, Hereditary; Tumor predisposition; Hereditary Cancer Syndrome; Hereditary neoplastic syndrome. Identifiers: Orphanet 140162, MedGen C0027672, MeSH D009386, MONDO:0015356.

Submission:

Ambry Genetics
Classification: Uncertain significance for Hereditary cancer-predisposing syndrome. Last evaluated: 2025-11-20. Review status: criteria provided, single submitter. Criteria: Ambry Variant Classification Scheme 2023. Collection method: clinical testing. Allele origin: germline.
Comment: The p.N525I variant (also known as c.1574A>T), located in coding exon 15 of the POLE gene, results from an A to T substitution at nucleotide position 1574. The asparagine at codon 525 is replaced by isoleucine, an amino acid with dissimilar properties. This amino acid position is conserved. In addition, the in silico prediction for this alteration is inconclusive. Based on the available evidence, the clinical significance of this variant remains unclear.